The following is an entry in ClinVar:

NM_020822.3(KCNT1):c.1770G>A (p.Lys590=)

Gene: KCNT1 (potassium sodium-activated channel subfamily T member 1; plus strand). Cytogenetic location: 9q34.3.
Variant type: single nucleotide variant.
Coding change: c.1770G>A on transcript NM_020822.3 (MANE Select); coding-DNA position 1770, G replaced by A.
Protein change: p.Lys590=; no amino-acid change (lysine 590 retained).
Molecular consequence: synonymous variant.
Genome position (GRCh38, 1-based): chr9:135,770,857, G>A. VCF-style: chr9-135770857-G-A. GRCh37 (hg19) VCF-style: chr9-138662703-G-A.
Other names: c.1770G>A (NM_020822.2); c.1635G>A, p.Lys545= (NM_001272003.2).
Identifiers: ClinVar variation 1040246 (VCV001040246.6), dbSNP rs745575483, ClinGen allele CA5327075.

ClinVar aggregate classification (germline): Conflicting classifications of pathogenicity. Review status: criteria provided, conflicting classifications (1 of 4 stars). 2 submissions from 2 submitters: Uncertain significance (1); Likely benign (1). Last evaluated 2025-01-27.

Conditions:
Inborn genetic diseases. Identifiers: MedGen C0950123, MeSH D030342.
Autosomal dominant nocturnal frontal lobe epilepsy 5. Also called: KCNT1-Related Epilepsy; CILIARY DYSKINESIA, PRIMARY, 28, WITHOUT SITUS INVERSUS; CILIARY DYSKINESIA, PRIMARY, 28, WITH SITUS INVERSUS; Epilepsy, nocturnal frontal lobe, 5. Identifiers: Orphanet 98784, MedGen C3554306, MONDO:0014002, OMIM 615005.
Developmental and epileptic encephalopathy, 14 (DEE14). Also called: Early infantile epileptic encephalopathy 14. Identifiers: Orphanet 293181, MedGen C3554195, MONDO:0013989, OMIM 614959.

Allele frequency attached by ClinVar (database versions not stated): ExAC below 0.00001; gnomAD exomes below 0.00001; TOPMed 0.00009; gnomAD 0.00010 and 0.00011.
gnomAD v4.1: 17 of 1,565,004 alleles (0.0011%); highest among the groups gnomAD compares: African/African-American, 0.023%; no homozygotes.

Submissions (2):

Labcorp Genetics (formerly Invitae), Labcorp
Classification: Uncertain significance for Autosomal dominant nocturnal frontal lobe epilepsy 5; Developmental and epileptic encephalopathy, 14. Last evaluated: 2025-01-27. Review status: criteria provided, single submitter. Criteria: Invitae Variant Classification Sherloc (09022015). Collection method: clinical testing. Allele origin: germline.
Comment: This sequence change affects codon 590 of the KCNT1 mRNA. It is a 'silent' change, meaning that it does not change the encoded amino acid sequence of the KCNT1 protein. It affects a nucleotide within the consensus splice site. This variant is present in population databases (rs745575483, gnomAD 0.03%), and has an allele count higher than expected for a pathogenic variant. This variant has not been reported in the literature in individuals affected with KCNT1-related conditions. ClinVar contains an entry for this variant (Variation ID: 1040246). Algorithms developed to predict the effect of sequence changes on RNA splicing suggest that this variant is not likely to affect RNA splicing. In summary, the available evidence is currently insufficient to determine the role of this variant in disease. Therefore, it has been classified as a Variant of Uncertain Significance.

Ambry Genetics
Classification: Likely benign for Inborn genetic diseases. Last evaluated: 2023-12-13. Review status: criteria provided, single submitter. Criteria: Ambry Variant Classification Scheme 2023. Collection method: clinical testing. Allele origin: germline.